The following is an entry in ClinVar:

NM_000051.4(ATM):c.2263T>C (p.Cys755Arg)

Gene: ATM (ATM serine/threonine kinase; plus strand). Cytogenetic location: 11q22.3.
Variant type: single nucleotide variant.
Coding change: c.2263T>C on transcript NM_000051.4 (MANE Select); coding-DNA position 2263, T replaced by C.
Protein change: p.Cys755Arg; replaces cysteine 755 with arginine.
Molecular consequence: missense variant.
Genome position (GRCh38, 1-based): chr11:108,257,493, T>C. VCF-style: chr11-108257493-T-C. GRCh37 (hg19) VCF-style: chr11-108128220-T-C.
Other names: c.2263T>C, p.Cys755Arg (NM_001351834.2); short protein forms C755R.
Identifiers: ClinVar variation 407638 (VCV000407638.19), dbSNP rs1060501646, ClinGen allele CA16613278.

ClinVar aggregate classification (germline): Uncertain significance. Review status: criteria provided, multiple submitters, no conflicts (2 of 4 stars). 4 submissions from 4 submitters: Uncertain significance (3). 1 of the submissions does not count toward it. Last evaluated 2025-11-04.

Conditions:
Hereditary cancer-predisposing syndrome. Also called: Hereditary neoplastic syndrome; Neoplastic Syndromes, Hereditary; Tumor predisposition; Hereditary Cancer Syndrome. Identifiers: Orphanet 140162, MedGen C0027672, MeSH D009386, MONDO:0015356.
Ataxia-telangiectasia syndrome (AT). Also called: Ataxia telangiectasia (A-T); LOUIS-BAR SYNDROME; Cerebello-oculocutaneous telangiectasia; Immunodeficiency with ataxia telangiectasia; Ataxia-telangiectasia, complementation group D; AT, COMPLEMENTATION GROUP C. Identifiers: Orphanet 100, MedGen C0004135, MONDO:0008840, OMIM 208900.

Allele frequency attached by ClinVar (database versions not stated): gnomAD exomes below 0.00001 and 0.00001; TOPMed below 0.00001.
gnomAD v4.1: 7 of 1,613,218 alleles (0.00043%); highest among the groups gnomAD compares: Non-Finnish European, 0.00059%; no homozygotes.

Submissions (4):

Labcorp Genetics (formerly Invitae), Labcorp
Classification: Uncertain significance for Ataxia-telangiectasia syndrome. Last evaluated: 2025-11-04. Review status: criteria provided, single submitter. Criteria: Invitae Variant Classification Sherloc (09022015). Collection method: clinical testing. Allele origin: germline.
Comment: This sequence change replaces cysteine, which is neutral and slightly polar, with arginine, which is basic and polar, at codon 755 of the ATM protein (p.Cys755Arg). This variant is present in population databases (no rsID available, gnomAD 0.0009%). This variant has not been reported in the literature in individuals affected with ATM-related conditions. ClinVar contains an entry for this variant (Variation ID: 407638). Invitae Evidence Modeling of protein sequence and biophysical properties (such as structural, functional, and spatial information, amino acid conservation, physicochemical variation, residue mobility, and thermodynamic stability) indicates that this missense variant is not expected to disrupt ATM protein function with a negative predictive value of 95%. RNA analysis performed to evaluate the impact of this missense change on mRNA splicing indicates it does not significantly alter splicing (internal data). In summary, the available evidence is currently insufficient to determine the role of this variant in disease. Therefore, it has been classified as a Variant of Uncertain Significance.

Ambry Genetics
Classification: Uncertain significance for Hereditary cancer-predisposing syndrome. Last evaluated: 2025-10-29. Review status: criteria provided, single submitter. Criteria: Ambry Variant Classification Scheme 2023. Collection method: clinical testing. Allele origin: germline.
Comment: The p.C755R variant (also known as c.2263T>C), located in coding exon 14 of the ATM gene, results from a T to C substitution at nucleotide position 2263. The cysteine at codon 755 is replaced by arginine, an amino acid with highly dissimilar properties. In an assay testing ATM function, this variant showed a functionally normal result (Lee KS et al. Cell, 2025 Sep;188:5081-5099.e27). This amino acid position is well conserved in available vertebrate species. In addition, the in silico prediction for this alteration is inconclusive. Based on the available evidence, the clinical significance of this variant remains unclear.

Color Diagnostics, LLC DBA Color Health
Classification: Uncertain significance for Hereditary cancer-predisposing syndrome. Last evaluated: 2023-07-19. Review status: criteria provided, single submitter. Criteria: ACMG Guidelines, 2015. Collection method: clinical testing. Allele origin: germline.
Comment: This missense variant replaces cysteine with arginine at codon 755 of the ATM protein. Computational prediction suggests that this variant may not impact protein structure and function (internally defined REVEL score threshold <= 0.5, PMID: 27666373). To our knowledge, functional studies have not been reported for this variant. In an international breast cancer case-control meta-analysis, this variant was detected in 1/60466 cases and absent in 53461 controls (PMID: 33471991). This variant has been identified in 1/250978 chromosomes in the general population by the Genome Aggregation Database (gnomAD). The available evidence is insufficient to determine the role of this variant in disease conclusively. Therefore, this variant is classified as a Variant of Uncertain Significance.

Natera, Inc.
Classification: Uncertain significance for Ataxia-telangiectasia. Last evaluated: 2020-09-16. Review status: no assertion criteria provided. Collection method: clinical testing. Allele origin: germline. Not counted in ClinVar's aggregate classification.

Literature cited by the submitters: PubMed 40580951 (cited by Ambry Genetics); PubMed 33471991 (cited by Color Diagnostics, LLC DBA Color Health).